The following is an entry in ClinVar:

ClinVar aggregate classification (germline): Benign (1 of 4 stars; one submission).

Allele frequency attached by ClinVar (database versions not stated): 1000 Genomes Project 0.23582; 1000 Genomes Project 30x 0.24126; gnomAD 0.26187 and 0.26751; TOPMed 0.27196.
gnomAD v4.1: 39,722 of 151,958 alleles (26%); highest among the groups gnomAD compares: African/African-American, 35%; 5,508 homozygotes.

Submission:

GeneDx
Classification: Benign. Last evaluated: 2018-06-14. Review status: criteria provided, single submitter. Criteria: GeneDx Variant Classification (06012015). Collection method: clinical testing. Allele origin: germline. Affected: yes.
Comment: This variant is considered likely benign or benign based on one or more of the following criteria: it is a conservative change, it occurs at a poorly conserved position in the protein, it is predicted to be benign by multiple in silico algorithms, and/or has population frequency not consistent with disease.

NM_203447.4(DOCK8):c.827+242G>C

Gene: DOCK8 (dedicator of cytokinesis 8; plus strand). Cytogenetic location: 9p24.3.
Variant type: single nucleotide variant.
Coding change: c.827+242G>C on transcript NM_203447.4 (MANE Select); 242 bases into the intron after coding-DNA position 827, G replaced by C.
Molecular consequence: intron variant.
Genome position (GRCh38, 1-based): chr9:317,370, G>C. VCF-style: chr9-317370-G-C. GRCh37 (hg19) VCF-style: chr9-317370-G-C.
Other names: c.623+242G>C (NM_001193536.2, NM_001190458.2).
Identifiers: ClinVar variation 676843 (VCV000676843.1), dbSNP rs882640, ClinGen allele CA13005000.